The following is an entry in ClinVar:

NM_000126.4(ETFA):c.626G>A (p.Arg209Gln)

Gene: ETFA (electron transfer flavoprotein subunit alpha; minus strand). Cytogenetic location: 15q24.2.
Variant type: single nucleotide variant.
Coding change: c.626G>A on transcript NM_000126.4 (MANE Select); coding-DNA position 626, G replaced by A.
Protein change: p.Arg209Gln; replaces arginine 209 with glutamine.
Molecular consequence: missense variant.
Genome position (GRCh38, 1-based): chr15:76,285,675, C>T on the plus strand (G>A on the coding strand, the complement: ETFA is on the minus strand). VCF-style: chr15-76285675-C-T. GRCh37 (hg19) VCF-style: chr15-76578016-C-T.
Other names: c.479G>A, p.Arg160Gln (NM_001127716.2); short protein forms R209Q, R160Q.
Identifiers: ClinVar variation 3730114 (VCV003730114.1).

ClinVar aggregate classification (germline): Uncertain significance (1 of 4 stars; one submission).

Conditions:
Multiple acyl-CoA dehydrogenase deficiency (MADD). Also called: Glutaric aciduria, type 2; Glutaric acidemia type II; GA 2; ETHYLMALONIC-ADIPICACIDURIA; GA II; Glutaric Acidemia type 2. Identifiers: Orphanet 26791, MedGen C0268596, MONDO:0009282, OMIM 231680.

gnomAD v4.1: 7 of 1,612,102 alleles (0.00043%); highest among the groups gnomAD compares: East Asian, 0.0022%; no homozygotes.

Submission:

Labcorp Genetics (formerly Invitae), Labcorp
Classification: Uncertain significance for Multiple acyl-CoA dehydrogenase deficiency. Last evaluated: 2024-12-02. Review status: criteria provided, single submitter. Criteria: Invitae Variant Classification Sherloc (09022015). Collection method: clinical testing. Allele origin: germline.
Comment: This sequence change replaces arginine, which is basic and polar, with glutamine, which is neutral and polar, at codon 209 of the ETFA protein (p.Arg209Gln). This variant is present in population databases (no rsID available, gnomAD 0.01%). This variant has not been reported in the literature in individuals affected with ETFA-related conditions. Invitae Evidence Modeling of protein sequence and biophysical properties (such as structural, functional, and spatial information, amino acid conservation, physicochemical variation, residue mobility, and thermodynamic stability) indicates that this missense variant is expected to disrupt ETFA protein function with a positive predictive value of 80%. In summary, the available evidence is currently insufficient to determine the role of this variant in disease. Therefore, it has been classified as a Variant of Uncertain Significance.